The following is an entry in ClinVar:

ClinVar aggregate classification (germline): Uncertain significance. Review status: criteria provided, multiple submitters, no conflicts (2 of 4 stars). 2 submissions from 2 submitters: Uncertain significance (2). Last evaluated 2025-11-03.

Conditions:
Inborn genetic diseases. Identifiers: MedGen C0950123, MeSH D030342.
Stormorken syndrome (STRMK). Also called: THROMBOCYTOPATHY, ASPLENIA, AND MIOSIS. Identifiers: Orphanet 3204, MedGen C1861451, MONDO:0008497, OMIM 185070.
Myopathy with tubular aggregates (TAM). Also called: Tubular Aggregate Myopathy. Identifiers: Orphanet 2593, MedGen C0410207, MONDO:0008051.
Combined immunodeficiency due to STIM1 deficiency. Also called: IMMUNODEFICIENCY 10; STIM1 DEFICIENCY. Identifiers: Orphanet 169090, Orphanet 317430, MedGen C2748557, MONDO:0013008, OMIM 612783.

Allele frequency attached by ClinVar (database versions not stated): TOPMed below 0.00001; gnomAD 0.00001; gnomAD exomes 0.00001.
gnomAD v4.1: 22 of 1,613,994 alleles (0.0014%); highest among the groups gnomAD compares: Non-Finnish European, 0.0017%; no homozygotes.

Submissions (2):

Ambry Genetics
Classification: Uncertain significance for Inborn genetic diseases. Last evaluated: 2025-11-03. Review status: criteria provided, single submitter. Criteria: Ambry Variant Classification Scheme 2023. Collection method: clinical testing. Allele origin: germline.

Labcorp Genetics (formerly Invitae), Labcorp
Classification: Uncertain significance for Myopathy with tubular aggregates; Combined immunodeficiency due to STIM1 deficiency; Stormorken syndrome. Last evaluated: 2024-02-07. Review status: criteria provided, single submitter. Criteria: Invitae Variant Classification Sherloc (09022015). Collection method: clinical testing. Allele origin: germline.
Comment: This sequence change replaces aspartic acid, which is acidic and polar, with tyrosine, which is neutral and polar, at codon 515 of the STIM1 protein (p.Asp515Tyr). This variant is present in population databases (rs534419041, gnomAD 0.002%). This variant has not been reported in the literature in individuals affected with STIM1-related conditions. ClinVar contains an entry for this variant (Variation ID: 1043591). An algorithm developed to predict the effect of missense changes on protein structure and function (PolyPhen-2) suggests that this variant is likely to be disruptive. In summary, the available evidence is currently insufficient to determine the role of this variant in disease. Therefore, it has been classified as a Variant of Uncertain Significance.

NM_001382567.1(STIM1):c.1636G>T (p.Asp546Tyr)

Gene: STIM1 (stromal interaction molecule 1; plus strand). Cytogenetic location: 11p15.4.
Variant type: single nucleotide variant.
Coding change: c.1636G>T on transcript NM_001382567.1 (MANE Select); coding-DNA position 1636, G replaced by T.
Protein change: p.Asp546Tyr; replaces aspartic acid 546 with tyrosine.
Molecular consequence: missense variant. On other transcripts: non-coding transcript variant (3).
Genome position (GRCh38, 1-based): chr11:4,091,283, G>T. VCF-style: chr11-4091283-G-T. GRCh37 (hg19) VCF-style: chr11-4112513-G-T.
Other names: c.1861G>T, p.Asp621Tyr (NM_001277961.3); c.1580G>T, p.Gly527Val (NM_001277962.2); c.1639G>T, p.Asp547Tyr (NM_001382566.1); c.1564G>T, p.Asp522Tyr (NM_001382568.1); c.1408G>T, p.Asp470Tyr (NM_001382569.1); c.1315G>T, p.Asp439Tyr (NM_001382570.1); c.1063G>T, p.Asp355Tyr (NM_001382571.1); c.1321G>T, p.Asp441Tyr (NM_001382575.1, NM_001382576.1, NM_001382577.1); and 5 more; short protein forms D439Y, D470Y, D546Y, G527V, D352Y, D355Y, D441Y, D621Y.
Identifiers: ClinVar variation 1043591 (VCV001043591.12), dbSNP rs534419041, ClinGen allele CA216533696.